The following is an entry in ClinVar:

NM_001276345.2(TNNT2):c.411C>T (p.Ile137=)

Gene: TNNT2 (troponin T2, cardiac type; minus strand). Cytogenetic location: 1q32.1.
Variant type: single nucleotide variant.
Coding change: c.411C>T on transcript NM_001276345.2 (MANE Select); coding-DNA position 411, C replaced by T.
Protein change: p.Ile137=; no amino-acid change (isoleucine 137 retained).
Molecular consequence: synonymous variant. On other transcripts: intron variant (1).
Genome position (GRCh38, 1-based): chr1:201,365,191, G>A on the plus strand (C>T on the coding strand, the complement: TNNT2 is on the minus strand). VCF-style: chr1-201365191-G-A. GRCh37 (hg19) VCF-style: chr1-201334319-G-A.
Other names: c.411C>T, p.Ile137= (NM_000364.4); c.381C>T, p.Ile127= (NM_001001430.3, NM_001001431.3, NM_001276347.2); c.366C>T, p.Ile122= (NM_001001432.3); c.291+419C>T (NM_001276346.2).
Identifiers: ClinVar variation 177785 (VCV000177785.25), dbSNP rs727504322, ClinGen allele CA004425.

ClinVar aggregate classification (germline): Conflicting classifications of pathogenicity. Review status: criteria provided, conflicting classifications (1 of 4 stars). 7 submissions from 7 submitters: Uncertain significance (3); Likely benign (3). 1 of the submissions does not count toward it. Last evaluated 2025-07-10.

Conditions:
Cardiomyopathy (CMYO). Also called: Cardiomyopathies. Identifiers: Orphanet 167848, MedGen C0878544, MONDO:0004994, HP:0001638. Inheritance: Various modes of inheritance.
Cardiovascular phenotype. Identifiers: MedGen CN230736.
Dilated cardiomyopathy 1D. Identifiers: Orphanet 154, Orphanet 54260, MedGen C1832243, MONDO:0011095, OMIM 601494.
Hypertrophic cardiomyopathy 2. Also called: TNNT2-Related Familial Hypertrophic Cardiomyopathy. Identifiers: MedGen C1861864, MONDO:0007266, OMIM 115195.
Cardiomyopathy, familial restrictive, 3. Identifiers: Orphanet 75249, MedGen C2676271, MONDO:0012900, OMIM 612422.

Allele frequency attached by ClinVar (database versions not stated): ExAC 0.00004; gnomAD exomes 0.00004; gnomAD 0.00001; TOPMed 0.00002.
gnomAD v4.1: 23 of 1,611,086 alleles (0.0014%); highest among the groups gnomAD compares: Admixed American, 0.012%; no homozygotes.

Submissions (7):

Color Diagnostics, LLC DBA Color Health
Classification: Likely benign for Cardiomyopathy. Last evaluated: 2025-07-10. Review status: criteria provided, single submitter. Criteria: ACMG Guidelines, 2015. Collection method: clinical testing. Allele origin: germline.

Labcorp Genetics (formerly Invitae), Labcorp
Classification: Uncertain significance for Cardiomyopathy, familial restrictive, 3; Hypertrophic cardiomyopathy 2; Dilated cardiomyopathy 1D. Last evaluated: 2025-04-09. Review status: criteria provided, single submitter. Criteria: Invitae Variant Classification Sherloc (09022015). Collection method: clinical testing. Allele origin: germline.
Comment: This sequence change affects codon 127 of the TNNT2 mRNA. It is a 'silent' change, meaning that it does not change the encoded amino acid sequence of the TNNT2 protein. It affects a nucleotide within the consensus splice site. This variant is present in population databases (rs727504322, gnomAD 0.01%). This variant has not been reported in the literature in individuals affected with TNNT2-related conditions. ClinVar contains an entry for this variant (Variation ID: 177785). Algorithms developed to predict the effect of sequence changes on RNA splicing suggest that this variant is not likely to affect RNA splicing. In summary, the available evidence is currently insufficient to determine the role of this variant in disease. Therefore, it has been classified as a Variant of Uncertain Significance.

All of Us Research Program, National Institutes of Health
Classification: Uncertain significance for Cardiomyopathy. Last evaluated: 2024-02-05. Review status: criteria provided, single submitter. Criteria: ACMG Guidelines, 2015. Collection method: clinical testing. Allele origin: germline. Inheritance: Autosomal dominant inheritance. Observed: 5 variant alleles, 5 heterozygotes.
Comment: This synonymous variant causes a nucleotide substitution but does not change the encoded amino acid at codon 127 of the TNNT2 protein. Splice site prediction tools and conservation analysis are inconclusive regarding the impact of this variant on RNA splicing. To our knowledge, functional studies have not been reported for this variant. This variant has not been reported in individuals affected with TNNT2-related disorders in the literature. This variant has been identified in 9/251490 chromosomes in the general population by the Genome Aggregation Database (gnomAD). The available evidence is insufficient to determine the role of this variant in disease conclusively. Therefore, this variant is classified as a Variant of Uncertain Significance.

This study involves interpretation of variants in research participants for the purpose of population health screening. Participant phenotype was not available at the time of variant classification. Additional details can be found in publication PMID: 35346344, PMCID: PMC8962531

Blueprint Genetics
Classification: Likely benign. Last evaluated: 2023-05-30. Review status: criteria provided, single submitter. Criteria: ACMG Guidelines, 2015. Collection method: clinical testing. Allele origin: germline.

Ambry Genetics
Classification: Likely benign for Cardiovascular phenotype. Last evaluated: 2022-07-08. Review status: criteria provided, single submitter. Criteria: Ambry Variant Classification Scheme 2023. Collection method: clinical testing. Allele origin: germline.

Fulgent Genetics
Classification: Uncertain significance for Hypertrophic cardiomyopathy 2; Dilated cardiomyopathy 1D; Cardiomyopathy, familial restrictive, 3. Last evaluated: 2022-04-15. Review status: criteria provided, single submitter. Criteria: ACMG Guidelines, 2015. Collection method: clinical testing. Allele origin: unknown.

Laboratory for Molecular Medicine, Mass General Brigham Personalized Medicine
Classification: Uncertain significance. Last evaluated: 2008-03-01. Review status: no assertion criteria provided. Collection method: clinical testing. Allele origin: germline. Observed: 1 variant allele. Not counted in ClinVar's aggregate classification.
Comment: proposed classification - variant undergoing re-assessment, contact laboratory

Literature cited by the submitters: PubMed 20474083 (cited by Ambry Genetics).